The following is an entry in ClinVar:

ClinVar aggregate classification (germline): Uncertain significance (1 of 4 stars; one submission).

Conditions:
Chromosome 2q32-q33 deletion syndrome (GLASS). Also called: 2q33.1 deletion syndrome; Glass syndrome. Identifiers: Orphanet 251019, MedGen C2676739, MONDO:0012864, OMIM 612313.

Submission:

Labcorp Genetics (formerly Invitae), Labcorp
Classification: Uncertain significance for Chromosome 2q32-q33 deletion syndrome. Last evaluated: 2024-12-28. Review status: criteria provided, single submitter. Criteria: Invitae Variant Classification Sherloc (09022015). Collection method: clinical testing. Allele origin: germline.
Comment: This sequence change replaces cysteine, which is neutral and slightly polar, with phenylalanine, which is neutral and non-polar, at codon 64 of the SATB2 protein (p.Cys64Phe). This variant is not present in population databases (gnomAD no frequency). This variant has not been reported in the literature in individuals affected with SATB2-related conditions. Invitae Evidence Modeling of protein sequence and biophysical properties (such as structural, functional, and spatial information, amino acid conservation, physicochemical variation, residue mobility, and thermodynamic stability) indicates that this missense variant is expected to disrupt SATB2 protein function with a positive predictive value of 95%. In summary, the available evidence is currently insufficient to determine the role of this variant in disease. Therefore, it has been classified as a Variant of Uncertain Significance.

NM_001172509.2(SATB2):c.191G>T (p.Cys64Phe)

Gene: SATB2 (SATB homeobox 2; minus strand). Cytogenetic location: 2q33.1.
Variant type: single nucleotide variant.
Coding change: c.191G>T on transcript NM_001172509.2 (MANE Select); coding-DNA position 191, G replaced by T.
Protein change: p.Cys64Phe; replaces cysteine 64 with phenylalanine.
Molecular consequence: missense variant. On other transcripts: non-coding transcript variant (1).
Genome position (GRCh38, 1-based): chr2:199,433,493, C>A on the plus strand (G>T on the coding strand, the complement: SATB2 is on the minus strand). VCF-style: chr2-199433493-C-A. GRCh37 (hg19) VCF-style: chr2-200298216-C-A.
Other names: c.191G>T, p.Cys64Phe (NM_015265.4, NM_001172517.1); short protein forms C64F.
Identifiers: ClinVar variation 3664689 (VCV003664689.2).